The following is an entry in ClinVar:

ClinVar aggregate classification (germline): Likely benign. Review status: criteria provided, single submitter (1 of 4 stars). 2 submissions from 2 submitters: Likely benign (1). 1 of the submissions does not count toward it. Last evaluated 2023-03-23.

Conditions:
Breast-ovarian cancer, familial, susceptibility to, 2 (BROVCA2). Also called: BRCA2 Hereditary Breast and Ovarian Cancer. Identifiers: Orphanet 145, MedGen C2675520, MONDO:0012933, OMIM 612555. Disease mechanism: loss of function.
Hereditary cancer-predisposing syndrome. Also called: Neoplastic Syndromes, Hereditary; Tumor predisposition; Hereditary Cancer Syndrome; Hereditary neoplastic syndrome. Identifiers: Orphanet 140162, MedGen C0027672, MeSH D009386, MONDO:0015356.

Allele frequency attached by ClinVar (database versions not stated): gnomAD exomes below 0.00001.
gnomAD v4.1: 2 of 1,614,062 alleles (0.00012%); highest among the groups gnomAD compares: East Asian, 0.0022%; no homozygotes.

Submissions (2):

University of Washington Department of Laboratory Medicine, University of Washington
Classification: Likely benign for Hereditary cancer-predisposing syndrome. Last evaluated: 2023-03-23. Review status: criteria provided, single submitter. Criteria: Dines et al. (Genet Med. 2020). Collection method: curation. Allele origin: germline.
Comment: Missense variant in a coldspot region where missense variants are very unlikely to be pathogenic (PMID:31911673).

BRCA2 exon 11 coldspot. Reclassification based on statistical prior probability.

Breast Cancer Information Core (BIC) (BRCA2)
Classification: Uncertain significance for Breast-ovarian cancer, familial 2. Review status: no assertion criteria provided. Collection method: clinical testing. Allele origin: germline. Affected: yes. Observed: 1 variant allele. Not counted in ClinVar's aggregate classification.

NM_000059.4(BRCA2):c.2209G>T (p.Ala737Ser)

Gene: BRCA2 (BRCA2 DNA repair associated; plus strand). Cytogenetic location: 13q13.1.
Variant type: single nucleotide variant.
Coding change: c.2209G>T on transcript NM_000059.4 (MANE Select); coding-DNA position 2209, G replaced by T.
Protein change: p.Ala737Ser; replaces alanine 737 with serine.
Molecular consequence: missense variant.
Genome position (GRCh38, 1-based): chr13:32,336,564, G>T. VCF-style: chr13-32336564-G-T. GRCh37 (hg19) VCF-style: chr13-32910701-G-T.
Other names: short protein forms A737S.
Identifiers: ClinVar variation 51255 (VCV000051255.4), dbSNP rs80358492, ClinGen allele CA014600.
Genomic context (GRCh38, chr13:32,336,564, plus strand): 5'-TGTGAAAATGATCCAAAAAGCAAAAAAGTTTCAGATATAAAAGAAGAGGTCTTGGCTGCA[G>T]CATGTCACCCAGTACAACATTCAAAAGTGGAATACAGTGATACTGACTTTCAATCCCAGA-3'
Protein context (NP_000050.3, residues 727-747): SDIKEEVLAA[Ala737Ser]CHPVQHSKVE